The following is an entry in ClinVar:

ClinVar aggregate classification (germline): Uncertain significance (1 of 4 stars; one submission).

Conditions:
COG7 congenital disorder of glycosylation (CDG2E). Also called: CDG IIe; CONGENITAL DISORDER OF GLYCOSYLATION, TYPE IIe. Identifiers: Orphanet 79333, MedGen C2931010, MONDO:0012118, OMIM 608779.

Allele frequency attached by ClinVar (database versions not stated): ExAC 0.00001; gnomAD 0.00001; gnomAD exomes 0.00001; TOPMed 0.00001.

Submission:

Labcorp Genetics (formerly Invitae), Labcorp
Classification: Uncertain significance for COG7 congenital disorder of glycosylation. Last evaluated: 2022-09-26. Review status: criteria provided, single submitter. Criteria: Invitae Variant Classification Sherloc (09022015). Collection method: clinical testing. Allele origin: germline.
Comment: This sequence change replaces asparagine, which is neutral and polar, with serine, which is neutral and polar, at codon 414 of the COG7 protein (p.Asn414Ser). This variant is present in population databases (rs759949604, gnomAD 0.003%). This variant has not been reported in the literature in individuals affected with COG7-related conditions. Advanced modeling of protein sequence and biophysical properties (such as structural, functional, and spatial information, amino acid conservation, physicochemical variation, residue mobility, and thermodynamic stability) performed at Invitae indicates that this missense variant is not expected to disrupt COG7 protein function. In summary, the available evidence is currently insufficient to determine the role of this variant in disease. Therefore, it has been classified as a Variant of Uncertain Significance.

NM_153603.4(COG7):c.1241A>G (p.Asn414Ser)

Gene: COG7 (component of oligomeric golgi complex 7; minus strand). Cytogenetic location: 16p12.2.
Variant type: single nucleotide variant.
Coding change: c.1241A>G on transcript NM_153603.4 (MANE Select); coding-DNA position 1241, A replaced by G.
Protein change: p.Asn414Ser; replaces asparagine 414 with serine.
Molecular consequence: missense variant.
Genome position (GRCh38, 1-based): chr16:23,417,018, T>C on the plus strand (A>G on the coding strand, the complement: COG7 is on the minus strand). VCF-style: chr16-23417018-T-C. GRCh37 (hg19) VCF-style: chr16-23428339-T-C.
Other names: short protein forms N414S.
Identifiers: ClinVar variation 2166461 (VCV002166461.4), dbSNP rs759949604, ClinGen allele CA7961047.
Genomic context (GRCh38, chr16:23,417,018, plus strand): 5'-CAGCCTTACTTGGCAAAGAGGGATTTCAGGGCTGACAACAGGCCGCAGGTCCCCAGGCCA[T>C]TGGTGAATCTGACGCATCTGTCAACGGCTGCAGACGCCAGACCAAACAGCTTGTTCACGG-3'
Protein context (NP_705831.1, residues 404-424): AAVDRCVRFT[Asn414Ser]GLGTCGLLSA